The following is an entry in ClinVar:

NM_006397.3(RNASEH2A):c.836C>G (p.Ala279Gly)

Gene: RNASEH2A (ribonuclease H2 subunit A; plus strand). Cytogenetic location: 19p13.13.
Variant type: single nucleotide variant.
Coding change: c.836C>G on transcript NM_006397.3 (MANE Select); coding-DNA position 836, C replaced by G.
Protein change: p.Ala279Gly; replaces alanine 279 with glycine.
Molecular consequence: missense variant.
Genome position (GRCh38, 1-based): chr19:12,813,402, C>G. VCF-style: chr19-12813402-C-G. GRCh37 (hg19) VCF-style: chr19-12924216-C-G.
Other names: short protein forms A279G.
Identifiers: ClinVar variation 1502943 (VCV001502943.5), dbSNP rs2145830509, ClinGen allele CA404269862.
Genomic context (GRCh38, chr19:12,813,402, plus strand): 5'-CCGAGAATCAGGAGGGACTCAGGAAGATCACATCCTACTTCCTCAATGAAGGGTCCCAAG[C>G]CCGTCCCCGTTCTTCCCACCGATATTTCCTGGAACGCGGCCTGGAGTCAGCAACCAGCCT-3'
Protein context (NP_006388.2, residues 269-289): TSYFLNEGSQ[Ala279Gly]RPRSSHRYFL

ClinVar aggregate classification (germline): Uncertain significance (1 of 4 stars; one submission).

Conditions:
Aicardi-Goutieres syndrome 4. Identifiers: Orphanet 51, MedGen C1835912, MONDO:0012472, OMIM 610333.

gnomAD v4.1: 1 of 1,614,116 alleles (0.000062%); highest among the groups gnomAD compares: Admixed American, 0.0017%; no homozygotes.

Submission:

Labcorp Genetics (formerly Invitae), Labcorp
Classification: Uncertain significance for Aicardi-Goutieres syndrome 4. Last evaluated: 2022-05-12. Review status: criteria provided, single submitter. Criteria: Invitae Variant Classification Sherloc (09022015). Collection method: clinical testing. Allele origin: germline.
Comment: This sequence change replaces alanine, which is neutral and non-polar, with glycine, which is neutral and non-polar, at codon 279 of the RNASEH2A protein (p.Ala279Gly). This variant is not present in population databases (gnomAD no frequency). This variant has not been reported in the literature in individuals affected with RNASEH2A-related conditions. Algorithms developed to predict the effect of missense changes on protein structure and function (SIFT, PolyPhen-2, Align-GVGD) all suggest that this variant is likely to be tolerated. In summary, the available evidence is currently insufficient to determine the role of this variant in disease. Therefore, it has been classified as a Variant of Uncertain Significance.